The following is an entry in ClinVar:

NM_000283.4(PDE6B):c.40C>T (p.Gln14Ter)

Gene: PDE6B (phosphodiesterase 6B; plus strand). Cytogenetic location: 4p16.3.
Variant type: single nucleotide variant.
Coding change: c.40C>T on transcript NM_000283.4 (MANE Select); coding-DNA position 40, C replaced by T.
Protein change: p.Gln14Ter; replaces glutamine 14 with a stop codon.
Molecular consequence: nonsense.
Genome position (GRCh38, 1-based): chr4:625,666, C>T. VCF-style: chr4-625666-C-T. GRCh37 (hg19) VCF-style: chr4-619455-C-T.
Other names: c.40C>T, p.Gln14Ter (NM_001145291.2, NM_001440547.1, NM_001440548.1); short protein forms Q14*.
Identifiers: ClinVar variation 4718979 (VCV004718979.1).

ClinVar aggregate classification (germline): Pathogenic (1 of 4 stars; one submission).

Submission:

Labcorp Genetics (formerly Invitae), Labcorp
Classification: Pathogenic. Last evaluated: 2025-05-11. Review status: criteria provided, single submitter. Criteria: Invitae Variant Classification Sherloc (09022015). Collection method: clinical testing. Allele origin: germline.
Comment: This sequence change creates a premature translational stop signal (p.Gln14*) in the PDE6B gene. It is expected to result in an absent or disrupted protein product. Loss-of-function variants in PDE6B are known to be pathogenic (PMID: 8394174, 8595886, 22334370). This variant is not present in population databases (gnomAD no frequency). This variant has not been reported in the literature in individuals affected with PDE6B-related conditions. For these reasons, this variant has been classified as Pathogenic.

Literature cited by the submitters: PubMed 8394174; PubMed 8595886; PubMed 22334370.